The following is an entry in ClinVar:

ClinVar aggregate classification (germline): Uncertain significance (1 of 4 stars; one submission).

Conditions:
Hereditary cancer-predisposing syndrome. Also called: Neoplastic Syndromes, Hereditary; Tumor predisposition; Hereditary neoplastic syndrome; Hereditary Cancer Syndrome. Identifiers: Orphanet 140162, MedGen C0027672, MeSH D009386, MONDO:0015356.
Cardiovascular phenotype. Identifiers: MedGen CN230736.

Submission:

Ambry Genetics
Classification: Uncertain significance for Cardiovascular phenotype; Hereditary cancer-predisposing syndrome. Last evaluated: 2023-03-09. Review status: criteria provided, single submitter. Criteria: Ambry Variant Classification Scheme 2023. Collection method: clinical testing. Allele origin: germline.
Comment: The p.L1221P variant (also known as c.3662T>C), located in coding exon 27 of the NF1 gene, results from a T to C substitution at nucleotide position 3662. The leucine at codon 1221 is replaced by proline, an amino acid with similar properties. This amino acid position is highly conserved in available vertebrate species. In addition, this alteration is predicted to be deleterious by in silico analysis. Since supporting evidence is limited at this time, the clinical significance of this alteration remains unclear.

NM_001042492.3(NF1):c.3662T>C (p.Leu1221Pro)

Gene: NF1 (neurofibromin 1; plus strand). Cytogenetic location: 17q11.2.
Variant type: single nucleotide variant.
Coding change: c.3662T>C on transcript NM_001042492.3 (MANE Select); coding-DNA position 3662, T replaced by C.
Protein change: p.Leu1221Pro; replaces leucine 1221 with proline.
Molecular consequence: missense variant.
Genome position (GRCh38, 1-based): chr17:31,233,167, T>C. VCF-style: chr17-31233167-T-C. GRCh37 (hg19) VCF-style: chr17-29560185-T-C.
Other names: c.3662T>C, p.Leu1221Pro (NM_000267.4); short protein forms L1221P.
Identifiers: ClinVar variation 824040 (VCV000824040.5), dbSNP rs1597720167, ClinGen allele CA398990524.